The following is an entry in ClinVar:

NM_032578.4(MYPN):c.3872G>A (p.Gly1291Glu)

Gene: MYPN (myopalladin; plus strand). Cytogenetic location: 10q21.3.
Variant type: single nucleotide variant.
Coding change: c.3872G>A on transcript NM_032578.4 (MANE Select); coding-DNA position 3872, G replaced by A.
Protein change: p.Gly1291Glu; replaces glycine 1291 with glutamic acid.
Molecular consequence: missense variant. On other transcripts: non-coding transcript variant (2).
Genome position (GRCh38, 1-based): chr10:68,210,364, G>A. VCF-style: chr10-68210364-G-A. GRCh37 (hg19) VCF-style: chr10-69970121-G-A.
Other names: c.3872G>A, p.Gly1291Glu (NM_001256267.2); c.2990G>A, p.Gly997Glu (NM_001256268.2); short protein forms G1291E, G997E.
Identifiers: ClinVar variation 3629566 (VCV003629566.2).
Genomic context (GRCh38, chr10:68,210,364, plus strand): 5'-TCCCACCGCCCATGTCTGTCCGGCCCAGTGGCAGTCGCTACGGATCTCTCACCAGTAAAG[G>A]ACTTGACATATTTTCTGCCTTTTCCTCCATGGAAAGCACGATGGTGTATTCATGCTCTTC-3'
Protein context (NP_115967.2, residues 1281-1301): GSRYGSLTSK[Gly1291Glu]LDIFSAFSSM

ClinVar aggregate classification (germline): Uncertain significance (1 of 4 stars; one submission).

Submission:

Women's Health and Genetics/Laboratory Corporation of America, LabCorp
Classification: Uncertain significance. Last evaluated: 2024-11-26. Review status: criteria provided, single submitter. Criteria: LabCorp Variant Classification Summary - May 2015. Collection method: clinical testing. Allele origin: germline.
Comment: Variant summary: MYPN c.3872G>A (p.Gly1291Glu) results in a non-conservative amino acid change in the encoded protein sequence. Four of five in-silico tools predict a damaging effect of the variant on protein function. The variant was absent in 251452 control chromosomes. The available data on variant occurrences in the general population are insufficient to allow any conclusion about variant significance. To our knowledge, no occurrence of c.3872G>A in individuals affected with Cardiomyopathy and no experimental evidence demonstrating its impact on protein function have been reported. No submitters have cited clinical-significance assessments for this variant to ClinVar. Based on the evidence outlined above, the variant was classified as uncertain significance.